The following is an entry in ClinVar:

NM_001111125.3(IQSEC2):c.3278-1G>A

Gene: IQSEC2 (IQ motif and Sec7 domain ArfGEF 2; minus strand). Cytogenetic location: Xp11.22.
Variant type: single nucleotide variant.
Coding change: c.3278-1G>A on transcript NM_001111125.3 (MANE Select); the canonical splice acceptor site of the intron before coding-DNA position 3278, G replaced by A.
Molecular consequence: splice acceptor variant.
Genome position (GRCh38, 1-based): chrX:53,236,496, C>T on the plus strand (G>A on the coding strand, the complement: IQSEC2 is on the minus strand). VCF-style: chrX-53236496-C-T. GRCh37 (hg19) VCF-style: chrX-53265678-C-T.
Other names: c.3278-1G>A (NM_001410736.1); c.2663-1G>A (NM_015075.2).
Identifiers: ClinVar variation 3775358 (VCV003775358.1).

ClinVar aggregate classification (germline): Likely pathogenic (1 of 4 stars; one submission).

Conditions:
Intellectual developmental disorder, X-linked 1. Also called: Atkin Flaitz Patil Smith syndrome; MENTAL RETARDATION, X-LINKED 18; MENTAL RETARDATION, X-LINKED 78; Intellectual disability, X-linked 1. Identifiers: Orphanet 777, MedGen C2931498, MONDO:0010656, OMIM 309530.

Submission:

3billion
Classification: Likely pathogenic for Intellectual developmental disorder, X-linked 1. Last evaluated: 2024-03-06. Review status: criteria provided, single submitter. Criteria: ACMG Guidelines, 2015. Collection method: clinical testing. Allele origin: germline. Affected: yes.
Comment: The variant is not observed in the gnomAD v2.1.1 dataset. Predicted Consequence/Location: Canonical splice site: predicted to alter splicing and result in a loss or disruption of normal protein function. Multiple pathogenic loss-of-function variants are reported downstream of the variant. In silico tools predict the variant to alter splicing and produce an abnormal transcript [Splice AI: 0.94 (spliceogenicity >=0.2, non-spliceogenicity <0.1)]. Therefore, this variant is classified as Likely pathogenic according to the recommendation of ACMG/AMP guideline.